The following is an entry in ClinVar:

NM_015702.3(MMADHC):c.440A>T (p.Glu147Val)

Gene: MMADHC (metabolism of cobalamin associated D; minus strand). Cytogenetic location: 2q23.2.
Variant type: single nucleotide variant.
Coding change: c.440A>T on transcript NM_015702.3 (MANE Select); coding-DNA position 440, A replaced by T.
Protein change: p.Glu147Val; replaces glutamic acid 147 with valine.
Molecular consequence: missense variant.
Genome position (GRCh38, 1-based): chr2:149,576,475, T>A on the plus strand (A>T on the coding strand, the complement: MMADHC is on the minus strand). VCF-style: chr2-149576475-T-A. GRCh37 (hg19) VCF-style: chr2-150432989-T-A.
Other names: short protein forms E147V.
Identifiers: ClinVar variation 1413117 (VCV001413117.8), dbSNP rs768142805, ClinGen allele CA348870306.

ClinVar aggregate classification (germline): Uncertain significance (1 of 4 stars; one submission).

Conditions:
Methylmalonic aciduria and homocystinuria type cblD (MAHCD). Also called: METHYLMALONIC ACIDEMIA, cblH TYPE; Methylmalonic aciduria with homocystinuria cblD type. Identifiers: Orphanet 622, Orphanet 79283, MedGen C1848552, MONDO:0010185, OMIM 277410.

Submission:

Labcorp Genetics (formerly Invitae), Labcorp
Classification: Uncertain significance for Methylmalonic aciduria and homocystinuria type cblD. Last evaluated: 2021-12-03. Review status: criteria provided, single submitter. Criteria: Invitae Variant Classification Sherloc (09022015). Collection method: clinical testing. Allele origin: germline.
Comment: This sequence change replaces glutamic acid, which is acidic and polar, with valine, which is neutral and non-polar, at codon 147 of the MMADHC protein (p.Glu147Val). This variant is not present in population databases (gnomAD no frequency). This variant has not been reported in the literature in individuals affected with MMADHC-related conditions. Algorithms developed to predict the effect of missense changes on protein structure and function (SIFT, PolyPhen-2, Align-GVGD) all suggest that this variant is likely to be disruptive. In summary, the available evidence is currently insufficient to determine the role of this variant in disease. Therefore, it has been classified as a Variant of Uncertain Significance.